The following is an entry in ClinVar:

ClinVar aggregate classification (germline): Uncertain significance (1 of 4 stars; one submission).

Conditions:
Nephronophthisis. Also called: Juvenile Nephronophthisis. Identifiers: Orphanet 655, MedGen C0687120, MONDO:0019005, HP:0000090.

Allele frequency attached by ClinVar (database versions not stated): gnomAD exomes below 0.00001.
gnomAD v4.1: 6 of 1,614,120 alleles (0.00037%); highest among the groups gnomAD compares: Non-Finnish European, 0.00051%; no homozygotes.

Submission:

Labcorp Genetics (formerly Invitae), Labcorp
Classification: Uncertain significance for Nephronophthisis. Last evaluated: 2022-11-01. Review status: criteria provided, single submitter. Criteria: Invitae Variant Classification Sherloc (09022015). Collection method: clinical testing. Allele origin: germline.
Comment: This variant has not been reported in the literature in individuals affected with NPHP3-related conditions. In summary, the available evidence is currently insufficient to determine the role of this variant in disease. Therefore, it has been classified as a Variant of Uncertain Significance. Advanced modeling of protein sequence and biophysical properties (such as structural, functional, and spatial information, amino acid conservation, physicochemical variation, residue mobility, and thermodynamic stability) has been performed at Invitae for this missense variant, however the output from this modeling did not meet the statistical confidence thresholds required to predict the impact of this variant on NPHP3 protein function. This variant is not present in population databases (gnomAD no frequency). This sequence change replaces leucine, which is neutral and non-polar, with phenylalanine, which is neutral and non-polar, at codon 393 of the NPHP3 protein (p.Leu393Phe).

NM_153240.5(NPHP3):c.1179A>T (p.Leu393Phe)

Genes: NPHP3 (nephrocystin 3; minus strand), NPHP3-ACAD11 (NPHP3-ACAD11 readthrough (NMD candidate); minus strand). Cytogenetic location: 3q22.1.
Variant type: single nucleotide variant.
Coding change: c.1179A>T on transcript NM_153240.5 (MANE Select); coding-DNA position 1179, A replaced by T.
Protein change: p.Leu393Phe; replaces leucine 393 with phenylalanine.
Molecular consequence: missense variant. On other transcripts: non-coding transcript variant (1).
Genome position (GRCh38, 1-based): chr3:132,708,197, T>A on the plus strand (A>T on the coding strand, the complement: NPHP3 is on the minus strand). VCF-style: chr3-132708197-T-A. GRCh37 (hg19) VCF-style: chr3-132427041-T-A.
Other names: short protein forms L393F.
Identifiers: ClinVar variation 1941186 (VCV001941186.4), dbSNP rs2530464076, ClinGen allele CA354585188.